The following is an entry in ClinVar:

NM_001378120.1(MBD5):c.3730G>A (p.Ala1244Thr)

Gene: MBD5 (methyl-CpG binding domain protein 5; plus strand). Cytogenetic location: 2q23.1.
Variant type: single nucleotide variant.
Coding change: c.3730G>A on transcript NM_001378120.1 (MANE Select); coding-DNA position 3730, G replaced by A.
Protein change: p.Ala1244Thr; replaces alanine 1244 with threonine.
Molecular consequence: missense variant.
Genome position (GRCh38, 1-based): chr2:148,485,927, G>A. VCF-style: chr2-148485927-G-A. GRCh37 (hg19) VCF-style: chr2-149243496-G-A.
Other names: c.3031G>A, p.Ala1011Thr (NM_018328.5); short protein forms A1011T, A1244T.
Identifiers: ClinVar variation 1017688 (VCV001017688.11), dbSNP rs1386609853, ClinGen allele CA348724750.

ClinVar aggregate classification (germline): Uncertain significance (1 of 4 stars; one submission).

Conditions:
Intellectual developmental disorder, autosomal dominant 1. Also called: Intellectual disability, autosomal dominant 1; MBD5 Haploinsufficiency. Identifiers: Orphanet 228402, MedGen C1969562, MONDO:0007974, OMIM 156200.

Allele frequency attached by ClinVar (database versions not stated): gnomAD exomes below 0.00001 and 0.00001; TOPMed 0.00001.
gnomAD v4.1: 5 of 1,614,022 alleles (0.00031%); highest among the groups gnomAD compares: Non-Finnish European, 0.00042%; no homozygotes.

Submission:

Labcorp Genetics (formerly Invitae), Labcorp
Classification: Uncertain significance for Intellectual developmental disorder, autosomal dominant 1. Last evaluated: 2021-12-02. Review status: criteria provided, single submitter. Criteria: Invitae Variant Classification Sherloc (09022015). Collection method: clinical testing. Allele origin: germline.
Comment: ClinVar contains an entry for this variant (Variation ID: 1017688). Algorithms developed to predict the effect of missense changes on protein structure and function are either unavailable or do not agree on the potential impact of this missense change (SIFT: "Deleterious"; PolyPhen-2: "Not Available"; Align-GVGD: "Class C55"). In summary, the available evidence is currently insufficient to determine the role of this variant in disease. Therefore, it has been classified as a Variant of Uncertain Significance. This sequence change replaces alanine, which is neutral and non-polar, with threonine, which is neutral and polar, at codon 1011 of the MBD5 protein (p.Ala1011Thr). This variant has not been reported in the literature in individuals affected with MBD5-related conditions. This variant is present in population databases (no rsID available, gnomAD 0.0009%).